The following is an entry in ClinVar:

NM_000154.2(GALK1):c.286C>T (p.Gln96Ter)

Gene: GALK1 (galactokinase 1; minus strand). Cytogenetic location: 17q25.1.
Variant type: single nucleotide variant.
Coding change: c.286C>T on transcript NM_000154.2 (MANE Select); coding-DNA position 286, C replaced by T.
Protein change: p.Gln96Ter; replaces glutamine 96 with a stop codon.
Molecular consequence: nonsense.
Genome position (GRCh38, 1-based): chr17:75,763,966, G>A on the plus strand (C>T on the coding strand, the complement: GALK1 is on the minus strand). VCF-style: chr17-75763966-G-A. GRCh37 (hg19) VCF-style: chr17-73760047-G-A.
Other names: c.286C>T, p.Gln96Ter (NM_001381985.1); short protein forms Q96*.
Identifiers: ClinVar variation 1725988 (VCV001725988.7), dbSNP rs2061599170, ClinGen allele CA401106758.

ClinVar aggregate classification (germline): Pathogenic/Likely pathogenic. Review status: criteria provided, multiple submitters, no conflicts (2 of 4 stars). 2 submissions from 2 submitters: Pathogenic (1); Likely pathogenic (1). Last evaluated 2022-05-09.

Conditions:
Deficiency of galactokinase. Also called: GALACTOSEMIA II; Galactokinase deficiency with cataracts. Identifiers: Orphanet 352, Orphanet 79237, MedGen C0268155, MONDO:0009255, OMIM 230200.

Allele frequency attached by ClinVar (database versions not stated): TOPMed below 0.00001; gnomAD 0.00001.

Submissions (2):

Labcorp Genetics (formerly Invitae), Labcorp
Classification: Pathogenic for Deficiency of galactokinase. Last evaluated: 2022-05-09. Review status: criteria provided, single submitter. Criteria: Invitae Variant Classification Sherloc (09022015). Collection method: clinical testing. Allele origin: germline.
Comment: For these reasons, this variant has been classified as Pathogenic. This variant has not been reported in the literature in individuals affected with GALK1-related conditions. This variant is not present in population databases (gnomAD no frequency). This sequence change creates a premature translational stop signal (p.Gln96*) in the GALK1 gene. It is expected to result in an absent or disrupted protein product. Loss-of-function variants in GALK1 are known to be pathogenic (PMID: 7670469, 10790206).

Myriad Genetics, Inc.
Classification: Likely pathogenic for Deficiency of galactokinase. Last evaluated: 2022-04-30. Review status: criteria provided, single submitter. Criteria: Myriad Women's Health Autosomal Recessive and X-Linked Classification Criteria (2021). Collection method: clinical testing. Allele origin: unknown.
Comment: NM_000154.1(GALK1):c.286C>T(Q96*) is expected to be pathogenic in the context of galactokinase deficiency. This variant is predicted to lead to an abnormal or absent protein product due to the creation of a premature termination codon in GALK1, a gene where loss-of-function variants are known to be pathogenic. Please note: this variant was assessed in the context of healthy population screening.

Literature cited by the submitters: PubMed 7670469 (cited by Labcorp Genetics (formerly Invitae), Labcorp); PubMed 10790206 (cited by Labcorp Genetics (formerly Invitae), Labcorp).